The following is an entry in ClinVar:

ClinVar aggregate classification (germline): Pathogenic. Review status: criteria provided, multiple submitters, no conflicts (2 of 4 stars). 2 submissions from 2 submitters: Pathogenic (2). Last evaluated 2025-07-14.

Conditions:
GNPTG-mucolipidosis. Also called: ML III GAMMA; ML IIIC; Mucolipidosis type III gamma; MUCOLIPIDOSIS III, COMPLEMENTATION GROUP C; MUCOLIPIDOSIS III, IRANIAN VARIANT FORM; MUCOLIPIDOSIS III, VARIANT FORM. Identifiers: Orphanet 423470, Orphanet 577, MedGen C1854896, MONDO:0009652, OMIM 252605.

Submissions (2):

Myriad Genetics, Inc.
Classification: Pathogenic for GNPTG-mucolipidosis. Last evaluated: 2025-07-14. Review status: criteria provided, single submitter. Criteria: Myriad Autosomal Dominant, Autosomal Recessive and X-Linked Classification Criteria (2023). Collection method: clinical testing. Allele origin: unknown.
Comment: NM_032520.4(GNPTG):c.355_356dupAC(G120Rfs*5) is expected to be pathogenic in the context of mucolipidosis III gamma. This variant is predicted to lead to an abnormal or absent protein product due to the creation of a premature termination codon in GNPTG, a gene where loss-of-function variants are known to be pathogenic. Please note: this variant was assessed in the context of healthy population screening.

Labcorp Genetics (formerly Invitae), Labcorp
Classification: Pathogenic. Last evaluated: 2023-12-14. Review status: criteria provided, single submitter. Criteria: Invitae Variant Classification Sherloc (09022015). Collection method: clinical testing. Allele origin: germline.
Comment: This sequence change creates a premature translational stop signal (p.Gly120Argfs*5) in the GNPTG gene. It is expected to result in an absent or disrupted protein product. Loss-of-function variants in GNPTG are known to be pathogenic (PMID: 19370764, 20301784). This variant is not present in population databases (gnomAD no frequency). This variant has not been reported in the literature in individuals affected with GNPTG-related conditions. For these reasons, this variant has been classified as Pathogenic.

Literature cited by the submitters: PubMed 19370764 (cited by Labcorp Genetics (formerly Invitae), Labcorp); PubMed 20301784 (cited by Labcorp Genetics (formerly Invitae), Labcorp).

NM_032520.5(GNPTG):c.355_356dup (p.Gly120fs)

Gene: GNPTG (N-acetylglucosamine-1-phosphate transferase subunit gamma; plus strand). Cytogenetic location: 16p13.3.
Variant type: Duplication.
Coding change: c.355_356dup on transcript NM_032520.5 (MANE Select); coding-DNA positions 355 to 356, 2 bases duplicated (AC; older notation c.355_356dupAC).
Protein change: p.Gly120fs; shifts the reading frame from glycine 120.
Molecular consequence: frameshift variant.
Genome position (GRCh38, 1-based): chr16:1,362,075-1,362,076, AC duplicated; duplicating any 2 consecutive bases within chr16:1,362,074-1,362,076 gives the same sequence; the c. name uses the placement nearest the transcript's 3' end. VCF-style (leftmost placement, unchanged base first): chr16-1362073-T-TCA. GRCh37 (hg19) VCF-style: chr16-1412074-T-TCA.
Other names: short protein forms G120fs.
Identifiers: ClinVar variation 2703198 (VCV002703198.4), dbSNP rs2548189836, ClinGen allele CA2630959334.